The following is an entry in ClinVar:

NM_001754.5(RUNX1):c.65T>C (p.Ile22Thr)

Gene: RUNX1 (RUNX family transcription factor 1; minus strand). Cytogenetic location: 21q22.12.
Variant type: single nucleotide variant.
Coding change: c.65T>C on transcript NM_001754.5 (MANE Select); coding-DNA position 65, T replaced by C.
Protein change: p.Ile22Thr; replaces isoleucine 22 with threonine.
Molecular consequence: missense variant.
Genome position (GRCh38, 1-based): chr21:34,892,957, A>G on the plus strand (T>C on the coding strand, the complement: RUNX1 is on the minus strand). VCF-style: chr21-34892957-A-G. GRCh37 (hg19) VCF-style: chr21-36265254-A-G.
Other names: NM_001754.5(RUNX1):c.65T>C; p.Ile22Thr; c.65T>C (NM_001754.4); short protein forms I22T.
Identifiers: ClinVar variation 1471561 (VCV001471561.8), dbSNP rs749430925, ClinGen allele CA410205770.

ClinVar aggregate classification (germline): Uncertain significance. Review status: reviewed by expert panel (3 of 4 stars). 3 submissions from 3 submitters: Uncertain significance (1). 2 of the submissions do not count toward it. Last evaluated 2024-10-29.

Conditions:
Hereditary thrombocytopenia and hematological cancer predisposition syndrome associated with RUNX1. Also called: RUNX1 Familial Platelet Disorder with Associated Myeloid Malignancies; Familial Platelet Disorder with Propensity to Acute Myelogenous Leukemia; Familial thrombocytopenia with propensity to acute myelogenous leukemia; PLATELET DISORDER, ASPIRIN-LIKE. Identifiers: Orphanet 71290, MedGen C1832388, MeSH C563324, MONDO:0100083, OMIM 601399.
Hereditary thrombocytopenia and hematologic cancer predisposition syndrome. Identifiers: Orphanet 71290, MedGen CN281654, MONDO:0011071.
Inborn genetic diseases. Identifiers: MedGen C0950123, MeSH D030342.

gnomAD v4.1: 1 of 1,576,076 alleles (0.000063%); highest among the groups gnomAD compares: Non-Finnish European, 0.000087%; no homozygotes.

Submissions (3):

ClinGen Myeloid Malignancy Variant Curation Expert Panel
Classification: Uncertain significance for Hereditary thrombocytopenia and hematologic cancer predisposition syndrome. Last evaluated: 2024-10-29. Review status: reviewed by expert panel. Criteria: ClinGen MyeloMalig ACMG Specifications v2. Collection method: curation. Allele origin: germline. Inheritance: Autosomal dominant inheritance.
Comment: NM_001754.5(RUNX1):c.65T>C (p.Ile22Thr) is a missense variant. This variant is present at a MAF of 0.00002915(0.002915%, 1/34310) in the Admixed American population of gnomAD v2.1.1. This missense variant has a REVEL score <0.50 (0.272)(BP4). No probands meeting RUNX1 FPDMM phenotypic criteria have been described with this variant. In summary, this variant meets the criteria to be classified as a variant of uncertain significance. ACMG/AMP criteria applied, as specified by the Myeloid Malignancy Variant Curation Expert Panel for RUNX1: BP4

Labcorp Genetics (formerly Invitae), Labcorp
Classification: Uncertain significance for Hereditary thrombocytopenia and hematological cancer predisposition syndrome associated with RUNX1. Last evaluated: 2025-12-30. Review status: criteria provided, single submitter. Criteria: Invitae Variant Classification Sherloc (09022015). Collection method: clinical testing. Allele origin: germline. Not counted in ClinVar's aggregate classification.
Comment: This sequence change replaces isoleucine, which is neutral and non-polar, with threonine, which is neutral and polar, at codon 22 of the RUNX1 protein (p.Ile22Thr). This variant is present in population databases (no rsID available, gnomAD 0.003%). This variant has not been reported in the literature in individuals affected with RUNX1-related conditions. ClinVar contains an entry for this variant (Variation ID: 1471561). An algorithm developed to predict the effect of missense changes on protein structure and function outputs the following: PolyPhen-2: "Benign". The threonine amino acid residue is found in multiple mammalian species, which suggests that this missense change does not adversely affect protein function. In summary, the available evidence is currently insufficient to determine the role of this variant in disease. Therefore, it has been classified as a Variant of Uncertain Significance.

Ambry Genetics
Classification: Uncertain significance for Inborn genetic diseases. Last evaluated: 2024-11-24. Review status: criteria provided, single submitter. Criteria: Ambry Variant Classification Scheme 2023. Collection method: clinical testing. Allele origin: germline. Not counted in ClinVar's aggregate classification.
Comment: The p.I22T variant (also known as c.65T>C), located in coding exon 2 of the RUNX1 gene, results from a T to C substitution at nucleotide position 65. The isoleucine at codon 22 is replaced by threonine, an amino acid with similar properties. This amino acid position is conserved. In addition, this alteration is predicted to be tolerated by in silico analysis. Based on the available evidence, the clinical significance of this variant remains unclear.